The following is an entry in ClinVar:

NM_000132.4(F8):c.869T>G (p.Leu290Arg)

Gene: F8 (coagulation factor VIII; minus strand). Cytogenetic location: Xq28.
Variant type: single nucleotide variant.
Coding change: c.869T>G on transcript NM_000132.4 (MANE Select); coding-DNA position 869, T replaced by G.
Protein change: p.Leu290Arg; replaces leucine 290 with arginine.
Molecular consequence: missense variant.
Genome position (GRCh38, 1-based): chrX:154,969,471, A>C on the plus strand (T>G on the coding strand, the complement: F8 is on the minus strand). VCF-style: chrX-154969471-A-C. GRCh37 (hg19) VCF-style: chrX-154197746-A-C.
Other names: short protein forms L290R.
Identifiers: ClinVar variation 4849143 (VCV004849143.1).

ClinVar aggregate classification (germline): Uncertain significance (1 of 4 stars; one submission).

Submission:

Women's Health and Genetics/Laboratory Corporation of America, LabCorp
Classification: Uncertain significance. Last evaluated: 2026-04-22. Review status: criteria provided, single submitter. Criteria: LabCorp Variant Classification Summary - May 2015. Collection method: clinical testing. Allele origin: germline.
Comment: Variant summary: F8 c.869T>G (p.Leu290Arg) results in a non-conservative amino acid change in the encoded protein sequence. Algorithms developed to predict the effect of missense changes on protein structure and function all suggest that this variant is likely to be disruptive. The variant was absent in 183011 control chromosomes. The available data on variant occurrences in the general population are insufficient to allow any conclusion about variant significance. To our knowledge, no occurrence of c.869T>G in individuals affected with F8-related conditions and no experimental evidence demonstrating its impact on protein function have been reported. No submitters have cited clinical-significance assessments for this variant to ClinVar. Based on the evidence outlined above, the variant was classified as uncertain significance.